The following is an entry in ClinVar:

NM_022089.4(ATP13A2):c.1306+1G>C

Gene: ATP13A2 (ATPase cation transporting 13A2; minus strand). Cytogenetic location: 1p36.13.
Variant type: single nucleotide variant.
Coding change: c.1306+1G>C on transcript NM_022089.4 (MANE Select); the canonical splice donor site of the intron after coding-DNA position 1306, G replaced by C.
Molecular consequence: splice donor variant.
Genome position (GRCh38, 1-based): chr1:16,996,385, C>G on the plus strand (G>C on the coding strand, the complement: ATP13A2 is on the minus strand). VCF-style: chr1-16996385-C-G. GRCh37 (hg19) VCF-style: chr1-17322880-C-G.
Other names: c.1291+1G>C (NM_001141974.3, NM_001141973.3).
Identifiers: ClinVar variation 2584802 (VCV002584802.1), dbSNP rs1429379858, ClinGen allele CA338254162.

ClinVar aggregate classification (germline): Likely pathogenic (1 of 4 stars; one submission).

Conditions:
Kufor-Rakeb syndrome (KRS). Also called: PARKINSON DISEASE 9, AUTOSOMAL RECESSIVE, JUVENILE-ONSET. Identifiers: Orphanet 306674, Orphanet 314632, MedGen C1847640, MONDO:0011706, OMIM 606693.

Submission:

Neuberg Centre For Genomic Medicine, NCGM
Classification: Likely pathogenic for Kufor-Rakeb syndrome. Review status: criteria provided, single submitter. Criteria: ACMG Guidelines, 2015. Collection method: clinical testing. Allele origin: germline. Inheritance: Autosomal recessive inheritance. Affected: yes.
Comment: The splice site variant c.1306+1G>C in ATP13A2 has not been reported previously as a pathogenic variant nor as a benign variant, to our knowledge. The c.1306+1G>C variant is novel (not in any individuals) in gnomAD exomes and 1000 Genomes. This variant has not been reported to the ClinVar database. Loss of function variants have been previously reported to be disease causing. For these reasons, this variant has been classified as Likely Pathogenic.